The following is an entry in ClinVar:

NM_001367624.2(ZNF469):c.10724T>C (p.Leu3575Pro)

Gene: ZNF469 (zinc finger protein 469; plus strand). Cytogenetic location: 16q24.2.
Variant type: single nucleotide variant.
Coding change: c.10724T>C on transcript NM_001367624.2 (MANE Select); coding-DNA position 10724, T replaced by C.
Protein change: p.Leu3575Pro; replaces leucine 3575 with proline.
Molecular consequence: missense variant.
Genome position (GRCh38, 1-based): chr16:88,438,194, T>C. VCF-style: chr16-88438194-T-C. GRCh37 (hg19) VCF-style: chr16-88504602-T-C.
Other names: NM_001127464.1:c.10640T>C; short protein forms L3575P.
Identifiers: ClinVar variation 1781169 (VCV001781169.3), dbSNP rs1055219928, ClinGen allele CA286387183.

ClinVar aggregate classification (germline): Uncertain significance. Review status: criteria provided, multiple submitters, no conflicts (2 of 4 stars). 2 submissions from 2 submitters: Uncertain significance (2). Last evaluated 2025-02-05.

Conditions:
ZNF469-related disorder. Also called: ZNF469-related condition.
Cardiovascular phenotype. Identifiers: MedGen CN230736.

Allele frequency attached by ClinVar (database versions not stated): gnomAD exomes below 0.00001.
gnomAD v4.1: 6 of 1,547,882 alleles (0.00039%); highest among the groups gnomAD compares: Admixed American, 0.002%; no homozygotes.

Submissions (2):

PreventionGenetics, part of Exact Sciences
Classification: Uncertain significance for ZNF469-related disorder. Last evaluated: 2025-02-05. Review status: criteria provided, single submitter. Criteria: ACMG Guidelines, 2015. Collection method: clinical testing. Allele origin: germline.
Comment: To our knowledge, this variant has not been reported in the literature. This variant is present in 0.0041% of alleles in individuals of Latino descent in gnomAD. At this time, the clinical significance of this variant is uncertain due to the absence of conclusive functional and genetic evidence.

Ambry Genetics
Classification: Uncertain significance for Cardiovascular phenotype. Last evaluated: 2022-10-23. Review status: criteria provided, single submitter. Criteria: Ambry Variant Classification Scheme 2023. Collection method: clinical testing. Allele origin: germline.
Comment: The p.L3547P variant (also known as c.10640T>C), located in coding exon 2 of the ZNF469 gene, results from a T to C substitution at nucleotide position 10640. The leucine at codon 3547 is replaced by proline, an amino acid with similar properties. This amino acid position is conserved. In addition, this alteration is predicted to be tolerated by in silico analysis. Since supporting evidence is limited at this time, the clinical significance of this alteration remains unclear.